The following is an entry in ClinVar:

ClinVar aggregate classification (germline): Uncertain significance (1 of 4 stars; one submission).

Submission:

GeneDx
Classification: Uncertain significance. Last evaluated: 2022-06-01. Review status: criteria provided, single submitter. Criteria: GeneDx Variant Classification Process June 2021. Collection method: clinical testing. Allele origin: germline. Affected: yes.
Comment: Not observed at significant frequency in large population cohorts (gnomAD); In silico analysis supports that this missense variant has a deleterious effect on protein structure/function; Has not been previously published as pathogenic or benign to our knowledge

NM_001197104.2(KMT2A):c.8647G>A (p.Gly2883Arg)

Gene: KMT2A (lysine methyltransferase 2A; plus strand). Cytogenetic location: 11q23.3.
Variant type: single nucleotide variant.
Coding change: c.8647G>A on transcript NM_001197104.2 (MANE Select); coding-DNA position 8647, G replaced by A.
Protein change: p.Gly2883Arg; replaces glycine 2883 with arginine.
Molecular consequence: missense variant.
Genome position (GRCh38, 1-based): chr11:118,504,539, G>A. VCF-style: chr11-118504539-G-A. GRCh37 (hg19) VCF-style: chr11-118375254-G-A.
Other names: c.8737G>A, p.Gly2913Arg (NM_001412597.1); c.8638G>A, p.Gly2880Arg (NM_005933.4); short protein forms G2880R, G2883R, G2913R.
Identifiers: ClinVar variation 1801868 (VCV001801868.1), dbSNP rs2497011317, ClinGen allele CA382815280.